The following is an entry in ClinVar:

ClinVar aggregate classification (germline): Uncertain significance. Review status: criteria provided, multiple submitters, no conflicts (2 of 4 stars). 2 submissions from 2 submitters: Uncertain significance (2). Last evaluated 2022-03-08.

Allele frequency attached by ClinVar (database versions not stated): TOPMed below 0.00001; gnomAD 0.00001; gnomAD exomes 0.00001 and 0.00004; ExAC 0.00005.
gnomAD v4.1: 21 of 1,608,710 alleles (0.0013%); highest among the groups gnomAD compares: South Asian, 0.022%; no homozygotes.

Submissions (2):

Labcorp Genetics (formerly Invitae), Labcorp
Classification: Uncertain significance. Last evaluated: 2022-03-08. Review status: criteria provided, single submitter. Criteria: Invitae Variant Classification Sherloc (09022015). Collection method: clinical testing. Allele origin: germline.
Comment: In summary, the available evidence is currently insufficient to determine the role of this variant in disease. Therefore, it has been classified as a Variant of Uncertain Significance. Algorithms developed to predict the effect of missense changes on protein structure and function are either unavailable or do not agree on the potential impact of this missense change (SIFT: "Deleterious"; PolyPhen-2: "Possibly Damaging"; Align-GVGD: "Class C0"). This variant has not been reported in the literature in individuals affected with HACD1-related conditions. This variant is present in population databases (rs782784087, gnomAD 0.03%). This sequence change replaces isoleucine, which is neutral and non-polar, with methionine, which is neutral and non-polar, at codon 159 of the HACD1 protein (p.Ile159Met).

Breakthrough Genomics
Classification: Uncertain significance. Review status: criteria provided, single submitter. Criteria: ACMG Guidelines, 2015. Collection method: not provided. Allele origin: germline. Inheritance: Autosomal recessive inheritance. Affected: yes.

NM_014241.4(HACD1):c.477A>G (p.Ile159Met)

Gene: HACD1 (3-hydroxyacyl-CoA dehydratase 1; minus strand). Cytogenetic location: 10p12.33.
Variant type: single nucleotide variant.
Coding change: c.477A>G on transcript NM_014241.4 (MANE Select); coding-DNA position 477, A replaced by G.
Protein change: p.Ile159Met; replaces isoleucine 159 with methionine.
Molecular consequence: missense variant.
Genome position (GRCh38, 1-based): chr10:17,603,566, T>C on the plus strand (A>G on the coding strand, the complement: HACD1 is on the minus strand). VCF-style: chr10-17603566-T-C. GRCh37 (hg19) VCF-style: chr10-17645565-T-C.
Other names: short protein forms I159M.
Identifiers: ClinVar variation 1366421 (VCV001366421.9), dbSNP rs782784087, ClinGen allele CA5427301.